The following is an entry in ClinVar:

ClinVar aggregate classification (germline): Uncertain significance. Review status: criteria provided, single submitter (1 of 4 stars). 2 submissions from 2 submitters: Uncertain significance (1). 1 of the submissions does not count toward it. Last evaluated 2025-07-15.

Conditions:
KATNAL2-related disorder. Also called: KATNAL2-related condition.

Allele frequency attached by ClinVar (database versions not stated): ExAC 0.00001; gnomAD exomes 0.00001; TOPMed 0.00008; gnomAD 0.00009.
gnomAD v4.1: 30 of 1,604,356 alleles (0.0019%); highest among the groups gnomAD compares: Admixed American, 0.026%; no homozygotes.

Submissions (2):

Ambry Genetics
Classification: Uncertain significance. Last evaluated: 2025-07-15. Review status: criteria provided, single submitter. Criteria: Ambry Variant Classification Scheme 2023. Collection method: clinical testing. Allele origin: germline.

PreventionGenetics, part of Exact Sciences
Classification: Uncertain significance for KATNAL2-related condition. Last evaluated: 2024-02-22. Review status: no assertion criteria provided. Collection method: clinical testing. Allele origin: germline. Not counted in ClinVar's aggregate classification.
Comment: The KATNAL2 c.56A>G variant is predicted to result in the amino acid substitution p.Lys19Arg. To our knowledge, this variant has not been reported in the literature. This variant is reported in 0.0092% of alleles in individuals of Latino descent in gnomAD. Of note, another variant impacting this same amino acid [c.55A>G (p.Lys19Glu)] has been reported along with another KATNAL2 variant in an individual with male infertility due to olio-astheno-teratozoospermia (Wei at al. 2021. PubMed ID: 34096614). At this time, the clinical significance of the c.56A>G (p.Lys19Arg) variant is uncertain due to the absence of conclusive functional and genetic evidence.

NM_001387690.1(KATNAL2):c.272A>G (p.Lys91Arg)

Gene: KATNAL2 (katanin catalytic subunit A1 like 2; plus strand). Cytogenetic location: 18q21.1.
Variant type: single nucleotide variant.
Coding change: c.272A>G on transcript NM_001387690.1 (MANE Select); coding-DNA position 272, A replaced by G.
Protein change: p.Lys91Arg; replaces lysine 91 with arginine.
Molecular consequence: missense variant. On other transcripts: 5 prime UTR variant (1), non-coding transcript variant (1), intron variant (6).
Genome position (GRCh38, 1-based): chr18:47,053,029, A>G. VCF-style: chr18-47053029-A-G. GRCh37 (hg19) VCF-style: chr18-44579400-A-G.
Other names: c.350A>G, p.Lys117Arg (NM_001353899.1, NM_001353900.1, NM_001353902.1); c.272A>G, p.Lys91Arg (NM_001353901.1, NM_001367621.1); c.-74A>G (NM_001353905.1); c.56A>G, p.Lys19Arg (NM_031303.3); c.-1-5206A>G (NM_001353904.1, NM_001353903.1, NM_001353907.1 and 3 more transcripts); short protein forms K117R, K19R, K91R.
Identifiers: ClinVar variation 3057709 (VCV003057709.3), dbSNP rs747236760, ClinGen allele CA8954870.